The following is an entry in ClinVar:

NM_000264.5(PTCH1):c.1864G>C (p.Val622Leu)

Genes: PTCH1 (patched 1; minus strand), LOC100507346 (uncharacterized LOC100507346; plus strand). Cytogenetic location: 9q22.32.
Variant type: single nucleotide variant.
Coding change: c.1864G>C on transcript NM_000264.5 (MANE Select); coding-DNA position 1864, G replaced by C.
Protein change: p.Val622Leu; replaces valine 622 with leucine.
Molecular consequence: missense variant. On other transcripts: non-coding transcript variant (2).
Genome position (GRCh38, 1-based): chr9:95,469,137, C>G on the plus strand (G>C on the coding strand, the complement: PTCH1 is on the minus strand). VCF-style: chr9-95469137-C-G. GRCh37 (hg19) VCF-style: chr9-98231419-C-G.
Other names: c.1864G>C (NM_000264.4); c.1666G>C, p.Val556Leu (NM_001083602.3); c.1861G>C, p.Val621Leu (NM_001083603.3); c.1411G>C, p.Val471Leu (NM_001083604.3, NM_001083605.3, NM_001083606.3 and 1 more transcripts); c.1708G>C, p.Val570Leu (NM_001354918.2); short protein forms V556L, V622L, V570L, V471L, V621L.
Identifiers: ClinVar variation 565614 (VCV000565614.19), dbSNP rs765258547, ClinGen allele CA5138490.

ClinVar aggregate classification (germline): Conflicting classifications of pathogenicity. Review status: criteria provided, conflicting classifications (1 of 4 stars). 7 submissions from 7 submitters: Uncertain significance (5); Benign (1); Likely benign (1). Last evaluated 2026-01-20.

Conditions:
PTCH1-related disorder. Also called: PTCH1-related disorders; PTCH1-related condition.
Hereditary cancer-predisposing syndrome. Also called: Neoplastic Syndromes, Hereditary; Tumor predisposition; Hereditary Cancer Syndrome; Hereditary neoplastic syndrome. Identifiers: Orphanet 140162, MedGen C0027672, MeSH D009386, MONDO:0015356.
Gorlin syndrome. Also called: Nevoid Basal Cell Carcinoma Syndrome; Basal cell nevus syndrome. Identifiers: Orphanet 377, MedGen C0004779, MONDO:0007187.

Allele frequency attached by ClinVar (database versions not stated): TOPMed below 0.00001; gnomAD 0.00001; ExAC 0.00002; gnomAD exomes 0.00002.
gnomAD v4.1: 28 of 1,613,974 alleles (0.0017%); highest among the groups gnomAD compares: South Asian, 0.014%; no homozygotes.

Submissions (7):

Labcorp Genetics (formerly Invitae), Labcorp
Classification: Benign for Gorlin syndrome. Last evaluated: 2026-01-20. Review status: criteria provided, single submitter. Criteria: Invitae Variant Classification Sherloc (09022015). Collection method: clinical testing. Allele origin: germline.

Quest Diagnostics Nichols Institute San Juan Capistrano
Classification: Uncertain significance. Last evaluated: 2025-05-20. Review status: criteria provided, single submitter. Criteria: Quest Diagnostics criteria. Collection method: clinical testing. Allele origin: unknown.
Comment: The PTCH1 c.1864G>C (p.Val622Leu) variant has not been reported in individuals with PTCH1-related conditions in the published literature. The frequency of this variant in the general population (Genome Aggregation Database) is higher than would generally be expected for pathogenic variants in this gene. Analysis of this variant using bioinformatics tools for the prediction of the effect of amino acid changes on protein structure and function yielded predictions that this variant is benign. Based on the available information, we are unable to determine the clinical significance of this variant.

GeneDx
Classification: Uncertain significance. Last evaluated: 2023-11-08. Review status: criteria provided, single submitter. Criteria: GeneDx Variant Classification Process June 2021. Collection method: clinical testing. Allele origin: germline. Affected: yes.
Comment: In silico analysis supports that this missense variant does not alter protein structure/function; Has not been previously published as pathogenic or benign to our knowledge; This variant is associated with the following publications: (PMID: 11331587)

PreventionGenetics, part of Exact Sciences
Classification: Uncertain significance for PTCH1-related condition. Last evaluated: 2023-08-23. Review status: criteria provided, single submitter. Criteria: ACMG Guidelines, 2015. Collection method: clinical testing. Allele origin: germline.
Comment: The PTCH1 c.1864G>C variant is predicted to result in the amino acid substitution p.Val622Leu. To our knowledge, this variant has not been reported in the literature. This variant is reported in 0.013% of alleles in individuals of South Asian descent in gnomAD. At this time, the clinical significance of this variant is uncertain due to the absence of conclusive functional and genetic evidence.

Ambry Genetics
Classification: Likely benign for Hereditary cancer-predisposing syndrome. Last evaluated: 2022-12-07. Review status: criteria provided, single submitter. Criteria: Ambry Variant Classification Scheme 2023. Collection method: clinical testing. Allele origin: germline.

Laboratorio de Genetica e Diagnostico Molecular, Hospital Israelita Albert Einstein
Classification: Uncertain significance. Last evaluated: 2021-08-26. Review status: criteria provided, single submitter. Criteria: ACMG Guidelines, 2015. Collection method: clinical testing. Allele origin: germline. Affected: yes.
Comment: ACMG classification criteria: BS1

Sema4
Classification: Uncertain significance for Hereditary cancer-predisposing syndrome. Last evaluated: 2021-08-16. Review status: criteria provided, single submitter. Criteria: Sema4 Curation Guidelines. Collection method: curation. Allele origin: germline.
Comment: To the best of our knowledge, the PTCH1 c.1864G>C (p.V622L) variant has not been reported in individuals with PTCH1-related disease. It was observed in 4/30610 chromosomes of the South Asian subpopulation in the large and broad cohorts of the Genome Aggregation Database (PMID: 32461654). The variant has been reported in ClinVar (Variation ID: 565614). Functional studies have not been performed, and in silico predictions of the variant's effect on protein function are inconclusive. The evidence is insufficient to meet ACMG/AMP criteria for classifying the variant as benign or pathogenic. Thus, the clinical significance of this variant is currently uncertain.